The following is an entry in ClinVar:

NM_006059.4(LAMC3):c.976+1G>T

Gene: LAMC3 (laminin subunit gamma 3; plus strand). Cytogenetic location: 9q34.12.
Variant type: single nucleotide variant.
Coding change: c.976+1G>T on transcript NM_006059.4 (MANE Select); the canonical splice donor site of the intron after coding-DNA position 976, G replaced by T.
Molecular consequence: splice donor variant.
Genome position (GRCh38, 1-based): chr9:131,036,333, G>T. VCF-style: chr9-131036333-G-T. GRCh37 (hg19) VCF-style: chr9-133911720-G-T.
Identifiers: ClinVar variation 4772572 (VCV004772572.1).

ClinVar aggregate classification (germline): Pathogenic (1 of 4 stars; one submission).

Submission:

Labcorp Genetics (formerly Invitae), Labcorp
Classification: Pathogenic. Last evaluated: 2025-11-02. Review status: criteria provided, single submitter. Criteria: Invitae Variant Classification Sherloc (09022015). Collection method: clinical testing. Allele origin: germline.
Comment: This sequence change affects a donor splice site in intron 4 of the LAMC3 gene. It is expected to disrupt RNA splicing. Variants that disrupt the donor or acceptor splice site typically lead to a loss of protein function (PMID: 16199547), and loss-of-function variants in LAMC3 are known to be pathogenic (PMID: 21572413, 26802095). This variant is not present in population databases (gnomAD no frequency). Disruption of this splice site has been observed in individual(s) with LAMC3-related conditions (PMID: 32902107, 35620139). In at least one individual the data is consistent with being in trans (on the opposite chromosome) from a pathogenic variant. Algorithms developed to predict the effect of sequence changes on RNA splicing suggest that this variant may disrupt the consensus splice site. For these reasons, this variant has been classified as Pathogenic.

Literature cited by the submitters: PubMed 16199547; PubMed 21572413; PubMed 26802095; PubMed 32902107; PubMed 35620139.